The following is an entry in ClinVar:

NM_000059.4(BRCA2):c.133G>T (p.Glu45Ter)

Gene: BRCA2 (BRCA2 DNA repair associated; plus strand). Cytogenetic location: 13q13.1.
Variant type: single nucleotide variant.
Coding change: c.133G>T on transcript NM_000059.4 (MANE Select); coding-DNA position 133, G replaced by T.
Protein change: p.Glu45Ter; replaces glutamic acid 45 with a stop codon.
Molecular consequence: nonsense.
Genome position (GRCh38, 1-based): chr13:32,319,142, G>T. VCF-style: chr13-32319142-G-T. GRCh37 (hg19) VCF-style: chr13-32893279-G-T.
Other names: short protein forms E45*.
Identifiers: ClinVar variation 51104 (VCV000051104.3), dbSNP rs397507581, ClinGen allele CA011664.

ClinVar aggregate classification (germline): Pathogenic. Review status: reviewed by expert panel (3 of 4 stars). 2 submissions from 2 submitters: Pathogenic (1). 1 of the submissions does not count toward it. Last evaluated 2017-12-15.

Conditions:
Familial cancer of breast. Also called: BREAST CANCER, FAMILIAL; Hereditary breast cancer; hereditary breast carcinoma. Identifiers: Orphanet 227535, MedGen C0346153, MONDO:0016419, OMIM 114480. Disease mechanism: loss of function.
Breast-ovarian cancer, familial, susceptibility to, 2 (BROVCA2). Also called: BRCA2 Hereditary Breast and Ovarian Cancer. Identifiers: Orphanet 145, MedGen C2675520, MONDO:0012933, OMIM 612555. Disease mechanism: loss of function.

Allele frequency attached by ClinVar (database versions not stated): gnomAD exomes below 0.00001.

Submissions (2):

Evidence-based Network for the Interpretation of Germline Mutant Alleles (ENIGMA)
Classification: Pathogenic for Breast-ovarian cancer, familial, susceptibility to, 2. Last evaluated: 2017-12-15. Review status: reviewed by expert panel. Criteria: ENIGMA BRCA1/2 Classification Criteria (2017-06-29). Collection method: curation. Allele origin: germline. Study: ENIGMA.
Comment: Variant allele predicted to encode a truncated non-functional protein.

ClinVar Staff, National Center for Biotechnology Information (NCBI)
No classification provided. Condition: Familial cancer of breast. Review status: no classification provided. Collection method: literature only. Allele origin: germline. Affected: yes. Not counted in ClinVar's aggregate classification.

Literature cited by the submitters: PubMed 11400546 (cited by ClinVar Staff, National Center for Biotechnology Information (NCBI)).